The following is an entry in ClinVar:

NM_006031.6(PCNT):c.9756C>G (p.Thr3252=)

Gene: PCNT (pericentrin; plus strand). Cytogenetic location: 21q22.3.
Variant type: single nucleotide variant.
Coding change: c.9756C>G on transcript NM_006031.6 (MANE Select); coding-DNA position 9756, C replaced by G.
Protein change: p.Thr3252=; no amino-acid change (threonine 3252 retained).
Molecular consequence: synonymous variant.
Genome position (GRCh38, 1-based): chr21:46,443,865, C>G. VCF-style: chr21-46443865-C-G. GRCh37 (hg19) VCF-style: chr21-47863778-C-G.
Other names: c.9756C>G (NM_006031.5); c.9165C>G, p.Thr3055= (NM_001315529.2).
Identifiers: ClinVar variation 2139143 (VCV002139143.5), dbSNP rs774216090, ClinGen allele CA10081467.

ClinVar aggregate classification (germline): Likely benign. Review status: criteria provided, single submitter (1 of 4 stars). 2 submissions from 2 submitters: Likely benign (1). 1 of the submissions does not count toward it. Last evaluated 2024-02-17.

Conditions:
PCNT-related disorder. Also called: PCNT-related condition.

Allele frequency attached by ClinVar (database versions not stated): ExAC 0.00001; gnomAD 0.00003.
gnomAD v4.1: 154 of 1,613,210 alleles (0.0095%); highest among the groups gnomAD compares: Non-Finnish European, 0.012%; no homozygotes.

Submissions (2):

Labcorp Genetics (formerly Invitae), Labcorp
Classification: Likely benign. Last evaluated: 2024-02-17. Review status: criteria provided, single submitter. Criteria: Invitae Variant Classification Sherloc (09022015). Collection method: clinical testing. Allele origin: germline.

PreventionGenetics, part of Exact Sciences
Classification: Likely benign for PCNT-related condition. Last evaluated: 2022-04-25. Review status: no assertion criteria provided. Collection method: clinical testing. Allele origin: germline. Not counted in ClinVar's aggregate classification.
Comment: This variant is classified as likely benign based on ACMG/AMP sequence variant interpretation guidelines (Richards et al. 2015 PMID: 25741868, with internal and published modifications).